The following is an entry in ClinVar:

NM_020911.2(PLXNA4):c.2885G>T (p.Ser962Ile)

Gene: PLXNA4 (plexin A4; minus strand). Cytogenetic location: 7q32.3.
Variant type: single nucleotide variant.
Coding change: c.2885G>T on transcript NM_020911.2 (MANE Select); coding-DNA position 2885, G replaced by T.
Protein change: p.Ser962Ile; replaces serine 962 with isoleucine.
Molecular consequence: missense variant.
Genome position (GRCh38, 1-based): chr7:132,187,579, C>A on the plus strand (G>T on the coding strand, the complement: PLXNA4 is on the minus strand). VCF-style: chr7-132187579-C-A. GRCh37 (hg19) VCF-style: chr7-131872338-C-A.
Other names: c.2885G>T, p.Ser962Ile (NM_001393897.1); short protein forms S962I.
Identifiers: ClinVar variation 4986599 (VCV004986599.1).

ClinVar aggregate classification (germline): Uncertain significance (1 of 4 stars; one submission).

Conditions:
PLXNA4-related disorder. Also called: PLXNA4-related condition.

gnomAD v4.1: 1 of 1,613,644 alleles (0.000062%); no homozygotes.

Submission:

PreventionGenetics, part of Exact Sciences
Classification: Uncertain significance for PLXNA4-related condition. Last evaluated: 2025-01-07. Review status: criteria provided, single submitter. Criteria: ACMG Guidelines, 2015. Collection method: clinical testing. Allele origin: germline.
Comment: The PLXNA4 c.2885G>T variant is predicted to result in the amino acid substitution p.Ser962Ile. To our knowledge, this variant has not been reported in the literature or in a large population database (gnomAD), indicating this variant is rare. At this time, the clinical significance of this variant is uncertain due to the absence of conclusive functional and genetic evidence.